The following continues an entry in ClinVar:

NM_022089.4(ATP13A2):c.3057del (p.Tyr1020fs)

Gene: ATP13A2. ClinVar aggregate classification (germline): Pathogenic/Likely pathogenic. Pathogenic (11); Likely pathogenic (1).

Submissions 12 to 14 of 14:

Illumina Laboratory Services, Illumina
Classification: Likely pathogenic for Kufor-Rakeb syndrome. Last evaluated: 2017-04-28. Review status: criteria provided, single submitter. Criteria: ICSL Variant Classification Criteria 09 May 2019. Collection method: clinical testing. Allele origin: germline.
Comment: The ATP13A2 c.3057delC (p.Tyr1020ThrfsTer3) variant is a frameshift variant and is predicted to result in a premature termination of the protein. The variant has been reported in a compound heterozygous state in four siblings of a large non-consanguineous Chilean family with Kufor-Rakeb syndrome (Ramirez et al. 2006). The variant segregates with disease in this family over two generations, with three unaffected siblings and the mother carrying the p.Tyr1020ThrfsTer3 variant in a heterozygous state. Further evaluation of this same family by Bruggemann et al. (2010) showed that the p.Tyr1020ThrfsTer3 variant in single heterozygous state may be a risk allele for later onset Parkinsonism. Control data are unavailable for this variant, which is reported at a frequency of 0.00021 in the European (non-Finnish) population of the Exome Aggregate Consortium. Functional studies demonstrated that the p.Tyr1020ThrfsTer3 variant protein is mislocalized to the endoplasmic reticulum and is targeted for degradation via the proteasome (Ramirez et al. 2006; Ugolino et al. 2011; Podhajska et al. 2012). Based on the available evidence and the potential impact of frameshift variants, the p.Tyr1020ThrfsTer3 variant is classified as likely pathogenic for Kufor-Rakeb syndrome. This variant was observed by ICSL as part of a predisposition screen in an ostensibly healthy population.

Undiagnosed Diseases Network, NIH
Classification: Pathogenic for Autosomal recessive spastic paraplegia type 78. Last evaluated: 2022-07-12. Review status: no assertion criteria provided. Collection method: clinical testing. Allele origin: paternal. Affected: yes. Observed: 1 variant allele, 1 compound heterozygote. Study: Undiagnosed Diseases Network (NIH), UDN. Not counted in ClinVar's aggregate classification.

OMIM
Classification: Pathogenic for KUFOR-RAKEB SYNDROME. Last evaluated: 2011-08-26. Review status: no assertion criteria provided. Collection method: literature only. Allele origin: germline. Not counted in ClinVar's aggregate classification.

Literature cited by the submitters: PubMed 16964263 (cited by 7 submitters); PubMed 21696388 (cited by Labcorp Genetics (formerly Invitae), Labcorp and Variantyx, Inc.); PubMed 29966207 (cited by 3 submitters); PubMed 21665991 (cited by 4 submitters); PubMed 21724849 (cited by 3 submitters); PubMed 22296644 (cited by Mayo Clinic Laboratories, Mayo Clinic and Ambry Genetics); PubMed 31980526 (cited by Mayo Clinic Laboratories, Mayo Clinic); PubMed 33049588 (cited by Mayo Clinic Laboratories, Mayo Clinic); PubMed 20683840 (cited by Ambry Genetics); PubMed 21060012 (cited by Ambry Genetics and Illumina Laboratory Services, Illumina); PubMed 22768177 (cited by Ambry Genetics and Illumina Laboratory Services, Illumina).